The following is an entry in ClinVar:

ClinVar aggregate classification (germline): Uncertain significance (1 of 4 stars; one submission).

Submission:

Women's Health and Genetics/Laboratory Corporation of America, LabCorp
Classification: Uncertain significance. Last evaluated: 2026-02-20. Review status: criteria provided, single submitter. Criteria: LabCorp Variant Classification Summary - May 2015. Collection method: clinical testing. Allele origin: germline.
Comment: Variant summary: The variant involves the duplication of exons 1-5 in the POMK gene. A presumed nomenclature of c.(?_-259)_(*558_?)dup has been designated for the purposes of this classification. This duplication includes the entire coding sequence of the gene. As exact breakpoints are unknown, it may extend beyond the annotated region of the gene, to include other flanking genes. The variant was absent in 21680 control chromosomes. The available data on variant occurrences in the general population are insufficient to allow any conclusion about variant significance. A variant involving the duplication of the POMK gene has been observed in an individual affected with congenital muscular dystrophy with brain malformations, however the presence of the variant was not confirmed and the breakpoints were not determined (Safwat_2024). Additionally, this individual also harbored rare homozygous variants in other candidate genes. Therefore, this report does not provide unequivocal conclusions about association of the variant with Muscular Dystrophy-Dystroglycanopathy (congenital With Brain And Eye Anomalies), Type A, 12. To our knowledge, no experimental evidence demonstrating an impact on protein function has been reported. The following publication has been ascertained in the context of this evaluation (PMID: 38296890). ClinVar contains an entry for this variant (Variation ID: 474186). Based on the evidence outlined above, the variant was classified as uncertain significance.

Literature cited by the submitters: PubMed 38296890.

NC_000008.10:g.(?_42948657)_(42978578_?)dup

Gene: POMK (protein O-mannose kinase; plus strand). Cytogenetic location: 8p11.21.
Variant type: Duplication.
Identifiers: ClinVar variation 4848197 (VCV004848197.1).